The following is an entry in ClinVar:

NM_004380.3(CREBBP):c.3631_3632del (p.Leu1211fs)

Gene: CREBBP (CREB binding lysine acetyltransferase; minus strand). Cytogenetic location: 16p13.3.
Variant type: Deletion.
Coding change: c.3631_3632del on transcript NM_004380.3 (MANE Select); coding-DNA positions 3631 to 3632, 2 bases deleted (TT; older notation c.3631_3632delTT).
Protein change: p.Leu1211fs; shifts the reading frame from leucine 1211.
Molecular consequence: frameshift variant.
Genome position (GRCh38, 1-based): chr16:3,757,354-3,757,355, AA deleted on the plus strand (TT on the coding strand, the reverse complement: CREBBP is on the minus strand); deleting any 2 consecutive bases within chr16:3,757,354-3,757,356 gives the same sequence; the c. name uses the placement nearest the transcript's 3' end. VCF-style (leftmost placement, unchanged base first): chr16-3757353-CAA-C. GRCh37 (hg19) VCF-style: chr16-3807354-CAA-C.
Other names: c.3517_3518del, p.Leu1173fs (NM_001079846.1); short protein forms L1173fs, L1211fs.
Identifiers: ClinVar variation 4886546 (VCV004886546.2).

ClinVar aggregate classification (germline): Likely pathogenic (1 of 4 stars; one submission).

Submission:

Dasa
Classification: Likely pathogenic. Last evaluated: 2025-06-02. Review status: criteria provided, single submitter. Criteria: DASA Assertion Criteria. Collection method: clinical testing. Allele origin: germline.
Comment: NM_004380.3(CREBBP):c.3631_3632del (p.Leu1211Valfs*22) is a frameshift variant in CREBBP predicted to alter the reading frame and introduce a premature termination codon and is predicted to result in an absent or altered protein product. Loss of function is an established disease mechanism for CREBBP (PMID: 17473832; PMID: 20717166; PMID: 18792986). Also, this variant is absent from population databases. Based on the currently available evidence, this variant is classified as likely pathogenic.

Literature cited by the submitters: PubMed 17473832; PubMed 20717166; PubMed 18792986.